The following is an entry in ClinVar:

ClinVar aggregate classification (germline): Benign. Review status: criteria provided, single submitter (1 of 4 stars). 2 submissions from 2 submitters: Benign (1). 1 of the submissions does not count toward it. Last evaluated 2022-10-21.

Conditions:
AHSP-related disorder. Also called: AHSP-related condition.

Allele frequency attached by ClinVar (database versions not stated): gnomAD 0.24202; ESP Exome Variant Server 0.24604; 1000 Genomes Project 30x 0.32027; TOPMed 0.24111; gnomAD exomes 0.18672; ExAC 0.22396; 1000 Genomes Project 0.31749.
gnomAD v4.1: 310,898 of 1,613,762 alleles (19%); highest among the groups gnomAD compares: South Asian, 47%; 36,812 homozygotes.

Submissions (2):

Mayo Clinic Laboratories, Mayo Clinic
Classification: Benign. Last evaluated: 2022-10-21. Review status: criteria provided, single submitter. Criteria: ACMG Guidelines, 2015. Collection method: clinical testing. Allele origin: germline. Observed: 314 variant alleles.

PreventionGenetics, part of Exact Sciences
Classification: Benign for AHSP-related condition. Last evaluated: 2019-10-23. Review status: no assertion criteria provided. Collection method: clinical testing. Allele origin: germline. Not counted in ClinVar's aggregate classification.
Comment: This variant is classified as benign based on ACMG/AMP sequence variant interpretation guidelines (Richards et al. 2015 PMID: 25741868, with internal and published modifications).

NM_016633.4(AHSP):c.231G>T (p.Leu77=)

Gene: AHSP (alpha hemoglobin stabilizing protein; plus strand). Cytogenetic location: 16p11.2.
Variant type: single nucleotide variant.
Coding change: c.231G>T on transcript NM_016633.4 (MANE Select); coding-DNA position 231, G replaced by T.
Protein change: p.Leu77=; no amino-acid change (leucine 77 retained).
Molecular consequence: synonymous variant.
Genome position (GRCh38, 1-based): chr16:31,528,613, G>T. VCF-style: chr16-31528613-G-T. GRCh37 (hg19) VCF-style: chr16-31539934-G-T.
Other names: p.Leu77=; c.231G>T, p.Leu77= (NM_001318221.2, NM_001318222.2).
Identifiers: ClinVar variation 3056330 (VCV003056330.3), dbSNP rs17677, ClinGen allele CA8032113.